The following is an entry in ClinVar:

ClinVar aggregate classification (germline): Uncertain significance (1 of 4 stars; one submission).

Conditions:
Nicolaides-Baraitser syndrome (NCBRS). Also called: SMARCA2-Related Nicolaides-Baraitser Syndrome; Intellectual disability-sparse hair-brachydactyly syndrome. Identifiers: Orphanet 3051, MedGen C1303073, MONDO:0011053, OMIM 601358.
Blepharophimosis-impaired intellectual development syndrome. Identifiers: Orphanet 637013, MedGen C5443984, MONDO:0859139, OMIM 619293.

Submission:

Juno Genomics, Hangzhou Juno Genomics, Inc
Classification: Uncertain significance for Blepharophimosis-impaired intellectual development syndrome; Nicolaides-Baraitser syndrome. Review status: criteria provided, single submitter. Criteria: ACMG Guidelines, 2015. Collection method: clinical testing. Allele origin: germline.
Comment: Missense variant in a gene that has a low rate of benign missense variation.;Multiple lines of computational evidence support a deleterious effect on the gene or gene product.;Absent from controls (or at extremely low frequency if recessive) in Genome Aggregation Database.

NM_003070.5(SMARCA2):c.3338A>G (p.Asn1113Ser)

Gene: SMARCA2 (SWI/SNF related BAF chromatin remodeling complex subunit ATPase 2; plus strand). Cytogenetic location: 9p24.3.
Variant type: single nucleotide variant.
Coding change: c.3338A>G on transcript NM_003070.5 (MANE Select); coding-DNA position 3338, A replaced by G.
Protein change: p.Asn1113Ser; replaces asparagine 1113 with serine.
Molecular consequence: missense variant.
Genome position (GRCh38, 1-based): chr9:2,110,299, A>G. VCF-style: chr9-2110299-A-G. GRCh37 (hg19) VCF-style: chr9-2110299-A-G.
Other names: c.3338A>G, p.Asn1113Ser (NM_001289396.2, NM_139045.4); c.3164A>G, p.Asn1055Ser (NM_001289397.2); short protein forms N1113S, N1055S.
Identifiers: ClinVar variation 5007432 (VCV005007432.2).